The following is an entry in ClinVar:

ClinVar aggregate classification (germline): Uncertain significance (1 of 4 stars; one submission).

Conditions:
Intellectual disability, autosomal recessive 42 (NEDDSBA). Also called: GLYCOSYLPHOSPHATIDYLINOSITOL BIOSYNTHESIS DEFECT 9; Neurodevelopmental disorder with dysmorphic features, spasticity, and brain abnormalities. Identifiers: Orphanet 88616, MedGen C4014343, MONDO:0014348, OMIM 615802.

Allele frequency attached by ClinVar (database versions not stated): ExAC 0.00001; gnomAD 0.00001; gnomAD exomes 0.00001; TOPMed 0.00002.
gnomAD v4.1: 18 of 1,477,886 alleles (0.0012%); highest among the groups gnomAD compares: Admixed American, 0.006%; no homozygotes.

Submission:

Labcorp Genetics (formerly Invitae), Labcorp
Classification: Uncertain significance for Intellectual disability, autosomal recessive 42. Last evaluated: 2025-07-10. Review status: criteria provided, single submitter. Criteria: Invitae Variant Classification Sherloc (09022015). Collection method: clinical testing. Allele origin: germline.
Comment: This sequence change falls in intron 25 of the PGAP1 gene. It does not directly change the encoded amino acid sequence of the PGAP1 protein. It affects a nucleotide within the consensus splice site. This variant is present in population databases (rs759133146, gnomAD 0.008%). This variant has not been reported in the literature in individuals affected with PGAP1-related conditions. ClinVar contains an entry for this variant (Variation ID: 1512552). Variants that disrupt the consensus splice site are a relatively common cause of aberrant splicing (PMID: 17576681, 9536098). Algorithms developed to predict the effect of sequence changes on RNA splicing suggest that this variant may disrupt the consensus splice site. In summary, the available evidence is currently insufficient to determine the role of this variant in disease. Therefore, it has been classified as a Variant of Uncertain Significance.

Literature cited by the submitters: PubMed 17576681; PubMed 9536098.

NM_024989.4(PGAP1):c.2525+5G>A

Gene: PGAP1 (post-GPI attachment to proteins inositol deacylase 1; minus strand). Cytogenetic location: 2q33.1.
Variant type: single nucleotide variant.
Coding change: c.2525+5G>A on transcript NM_024989.4 (MANE Select); 5 bases into the intron after coding-DNA position 2525, G replaced by A.
Molecular consequence: intron variant.
Genome position (GRCh38, 1-based): chr2:196,843,883, C>T on the plus strand (G>A on the coding strand, the complement: PGAP1 is on the minus strand). VCF-style: chr2-196843883-C-T. GRCh37 (hg19) VCF-style: chr2-197708607-C-T.
Other names: c.1358+5G>A (NM_001321100.2); c.2003+5G>A (NM_001321099.2).
Identifiers: ClinVar variation 1512552 (VCV001512552.4), dbSNP rs759133146, ClinGen allele CA2040615.
Genomic context (GRCh38, chr2:196,843,883, plus strand): 5'-AGTCTCTACTTAGGGATATTTATTGTTTGAACCACATAAACAATAATTATATCAATAAAA[C>T]GCACCTAAGATTCTTTAGCCAATAAATTAGAGAAGGCATGCTGAGTAATACAATCCATGT-3'